The following is an entry in ClinVar:

NM_006939.4(SOS2):c.3632del (p.Pro1211fs)

Gene: SOS2 (SOS Ras/Rho guanine nucleotide exchange factor 2; minus strand). Cytogenetic location: 14q21.3.
Variant type: Deletion.
Coding change: c.3632del on transcript NM_006939.4 (MANE Select); coding-DNA position 3632, one base deleted (C; older notation c.3632delC).
Protein change: p.Pro1211fs; shifts the reading frame from proline 1211.
Molecular consequence: frameshift variant.
Genome position (GRCh38, 1-based): chr14:50,118,711, G deleted on the plus strand (C on the coding strand, the reverse complement: SOS2 is on the minus strand); the first of 2 consecutive G bases (chr14:50,118,711-50,118,712); deleting either gives the same sequence. VCF-style (leftmost placement, unchanged base first): chr14-50118710-AG-A. GRCh37 (hg19) VCF-style: chr14-50585428-AG-A.
Other names: c.3533del, p.Pro1178fs (NM_001411020.1); short protein forms P1178fs, P1211fs.
Identifiers: ClinVar variation 4730628 (VCV004730628.1).

ClinVar aggregate classification (germline): Uncertain significance (1 of 4 stars; one submission).

Conditions:
Noonan syndrome 9 (NS9). Identifiers: Orphanet 648, MedGen C4225282, MONDO:0014691, OMIM 616559.

Submission:

Labcorp Genetics (formerly Invitae), Labcorp
Classification: Uncertain significance for Noonan syndrome 9. Last evaluated: 2025-11-06. Review status: criteria provided, single submitter. Criteria: Invitae Variant Classification Sherloc (09022015). Collection method: clinical testing. Allele origin: germline.
Comment: This sequence change creates a premature translational stop signal (p.Pro1211Leufs*18) in the SOS2 gene. While this is not anticipated to result in nonsense mediated decay, it is expected to disrupt the last 122 amino acid(s) of the SOS2 protein. This variant is not present in population databases (gnomAD no frequency). This variant has not been reported in the literature in individuals affected with SOS2-related conditions. Experimental studies and prediction algorithms are not available or were not evaluated, and the functional significance of this variant is currently unknown. In summary, the available evidence is currently insufficient to determine the role of this variant in disease. Therefore, it has been classified as a Variant of Uncertain Significance.